The following is an entry in ClinVar:

NM_000138.5(FBN1):c.3838+1del

Gene: FBN1 (fibrillin 1; minus strand). Cytogenetic location: 15q21.1.
Variant type: Deletion.
Coding change: c.3838+1del on transcript NM_000138.5 (MANE Select); the canonical splice donor site of the intron after coding-DNA position 3838, one base deleted (G; older notation c.3838+1delG).
Molecular consequence: splice donor variant.
Genome position (GRCh38, 1-based): chr15:48,483,817, C deleted on the plus strand (G on the coding strand, the reverse complement: FBN1 is on the minus strand); the first of 2 consecutive C bases (chr15:48,483,817-48,483,818); deleting either gives the same sequence. VCF-style (leftmost placement, unchanged base first): chr15-48483816-AC-A. GRCh37 (hg19) VCF-style: chr15-48776013-AC-A.
Other names: c.3838+1del (NM_001406716.1).
Identifiers: ClinVar variation 3849172 (VCV003849172.1).

ClinVar aggregate classification (germline): Likely pathogenic (1 of 4 stars; one submission).

Conditions:
Familial thoracic aortic aneurysm and aortic dissection (TAAD). Also called: Thoracic aortic aneurysms and dissections. Identifiers: Orphanet 91387, MedGen C4707243, MONDO:0019625.

Submission:

Ambry Genetics
Classification: Likely pathogenic for Familial thoracic aortic aneurysm and aortic dissection. Last evaluated: 2025-01-23. Review status: criteria provided, single submitter. Criteria: Ambry Variant Classification Scheme 2023. Collection method: clinical testing. Allele origin: germline.
Comment: The c.3838+1delG intronic variant, located in intron 30 of the FBN1 gene, results from a deletion of one nucleotide within intron 30 of the FBN1 gene. This variant was reported in individual(s) with features consistent with Marfan syndrome (Ambry internal data). This variant is considered to be rare based on population cohorts in the Genome Aggregation Database (gnomAD). This nucleotide position is highly conserved in available vertebrate species. In silico splice site analysis predicts that this alteration will weaken the native splice donor site and will result in the creation or strengthening of a novel splice donor site. Alterations that disrupt the canonical splice site are expected to cause aberrant splicing, resulting in an abnormal protein or a transcript that is subject to nonsense-mediated mRNA decay. As such, this alteration is classified as likely pathogenic.